The following is an entry in ClinVar:

NM_001129.5(AEBP1):c.2995A>T (p.Asn999Tyr)

Gene: AEBP1 (AE binding protein 1; plus strand). Cytogenetic location: 7p13.
Variant type: single nucleotide variant.
Coding change: c.2995A>T on transcript NM_001129.5 (MANE Select); coding-DNA position 2995, A replaced by T.
Protein change: p.Asn999Tyr; replaces asparagine 999 with tyrosine.
Molecular consequence: missense variant.
Genome position (GRCh38, 1-based): chr7:44,113,779, A>T. VCF-style: chr7-44113779-A-T. GRCh37 (hg19) VCF-style: chr7-44153378-A-T.
Other names: p.Asn999Tyr; short protein forms N999Y.
Identifiers: ClinVar variation 2682972 (VCV002682972.2), dbSNP rs1196089498, ClinGen allele CA367373867.

ClinVar aggregate classification (germline): Uncertain significance (1 of 4 stars; one submission).

Allele frequency attached by ClinVar (database versions not stated): gnomAD exomes below 0.00001; TOPMed below 0.00001; gnomAD 0.00001.
gnomAD v4.1: 4 of 1,613,954 alleles (0.00025%); highest among the groups gnomAD compares: Non-Finnish European, 0.00034%; no homozygotes.

Submission:

Mayo Clinic Laboratories, Mayo Clinic
Classification: Uncertain significance. Last evaluated: 2025-07-08. Review status: criteria provided, single submitter. Criteria: ACMG Guidelines, 2015. Collection method: clinical testing. Allele origin: germline. Observed: 2 variant alleles.
Comment: BP4, PM2_supporting